The following is an entry in ClinVar:

ClinVar aggregate classification (germline): Likely benign. Review status: criteria provided, multiple submitters, no conflicts (2 of 4 stars). 5 submissions from 5 submitters: Likely benign (4). 1 of the submissions does not count toward it. Last evaluated 2026-04-13.

Conditions:
SATB2-related disorder. Also called: SATB2-related condition.
Inborn genetic diseases. Identifiers: MedGen C0950123, MeSH D030342.
Chromosome 2q32-q33 deletion syndrome (GLASS). Also called: Glass syndrome; 2q33.1 deletion syndrome. Identifiers: Orphanet 251019, MedGen C2676739, MONDO:0012864, OMIM 612313.

Allele frequency attached by ClinVar (database versions not stated): ESP Exome Variant Server 0.00008; gnomAD 0.00009; TOPMed 0.00009; gnomAD exomes 0.00015 and 0.00016; 1000 Genomes Project 30x 0.00016; 1000 Genomes Project 0.00020; ExAC 0.00020.
gnomAD v4.1: 229 of 1,614,174 alleles (0.014%); highest among the groups gnomAD compares: Middle Eastern, 0.066%; no homozygotes.

Submissions (5):

Women's Health and Genetics/Laboratory Corporation of America, LabCorp
Classification: Likely benign. Last evaluated: 2026-04-13. Review status: criteria provided, single submitter. Criteria: LabCorp Variant Classification Summary - May 2015. Collection method: clinical testing. Allele origin: germline.

Labcorp Genetics (formerly Invitae), Labcorp
Classification: Likely benign for Chromosome 2q32-q33 deletion syndrome. Last evaluated: 2025-11-12. Review status: criteria provided, single submitter. Criteria: Invitae Variant Classification Sherloc (09022015). Collection method: clinical testing. Allele origin: germline.

Ambry Genetics
Classification: Likely benign for Inborn genetic diseases. Last evaluated: 2020-07-28. Review status: criteria provided, single submitter. Criteria: Ambry Variant Classification Scheme 2023. Collection method: clinical testing. Allele origin: germline.

GeneDx
Classification: Likely benign. Last evaluated: 2020-07-02. Review status: criteria provided, single submitter. Criteria: GeneDx Variant Classification Process June 2021. Collection method: clinical testing. Allele origin: germline. Affected: yes.

PreventionGenetics, part of Exact Sciences
Classification: Likely benign for SATB2-related condition. Last evaluated: 2019-06-27. Review status: no assertion criteria provided. Collection method: clinical testing. Allele origin: germline. Not counted in ClinVar's aggregate classification.
Comment: This variant is classified as likely benign based on ACMG/AMP sequence variant interpretation guidelines (Richards et al. 2015 PMID: 25741868, with internal and published modifications).

NM_001172509.2(SATB2):c.1935C>T (p.Ile645=)

Genes: SATB2 (SATB homeobox 2; minus strand), LOC126806462 (MED14-independent group 3 enhancer GRCh37_chr2:200136608-200137807; plus strand). Cytogenetic location: 2q33.1.
Variant type: single nucleotide variant.
Coding change: c.1935C>T on transcript NM_001172509.2 (MANE Select); coding-DNA position 1935, C replaced by T.
Protein change: p.Ile645=; no amino-acid change (isoleucine 645 retained).
Molecular consequence: synonymous variant.
Genome position (GRCh38, 1-based): chr2:199,272,478, G>A on the plus strand (C>T on the coding strand, the complement: SATB2 is on the minus strand). VCF-style: chr2-199272478-G-A. GRCh37 (hg19) VCF-style: chr2-200137201-G-A.
Other names: c.1935C>T, p.Ile645= (NM_001172517.1, NM_015265.4).
Identifiers: ClinVar variation 702795 (VCV000702795.19), dbSNP rs183727190, ClinGen allele CA2045779.